The following is an entry in ClinVar:

NM_001378183.1(PIEZO2):c.2724_2734del (p.Ser908fs)

Gene: PIEZO2 (piezo type mechanosensitive ion channel component 2; minus strand). Cytogenetic location: 18p11.22.
Variant type: Deletion.
Coding change: c.2724_2734del on transcript NM_001378183.1 (MANE Select); coding-DNA positions 2724 to 2734, 11 bases deleted (CGAGGAGTCAG).
Protein change: p.Ser908fs; shifts the reading frame from serine 908.
Molecular consequence: frameshift variant.
Genome position (GRCh38, 1-based): chr18:10,773,463-10,773,473, CTGACTCCTCG deleted on the plus strand (CGAGGAGTCAG on the coding strand, the reverse complement: PIEZO2 is on the minus strand); deleting any 11 consecutive bases within chr18:10,773,463-10,773,476 gives the same sequence; the c. name uses the placement nearest the transcript's 3' end. VCF-style (leftmost placement, unchanged base first): chr18-10773462-TCTGACTCCTCG-T. GRCh37 (hg19) VCF-style: chr18-10773460-TCTGACTCCTCG-T.
Other names: c.2649_2659del, p.Ser883fs (NM_022068.4); short protein forms S883fs, S908fs.
Identifiers: ClinVar variation 1686065 (VCV001686065.3), dbSNP rs2144002337, ClinGen allele CA2573155171.

ClinVar aggregate classification (germline): Pathogenic/Likely pathogenic. Review status: criteria provided, multiple submitters, no conflicts (2 of 4 stars). 2 submissions from 2 submitters: Pathogenic (1); Likely pathogenic (1). Last evaluated 2025-06-25.

Conditions:
Arthrogryposis- oculomotor limitation-electroretinal anomalies syndrome. Also called: ARTHROGRYPOSIS, DISTAL, TYPE 5; ARTHROGRYPOSIS WITH OCULOMOTOR LIMITATION AND ELECTRORETINAL ABNORMALITIES; ARTHROGRYPOSIS, DISTAL, TYPE IIB. Identifiers: Orphanet 1154, MedGen C1862472, MONDO:0007158, OMIM 108145.

Submissions (2):

Dasa
Classification: Likely pathogenic. Last evaluated: 2025-06-25. Review status: criteria provided, single submitter. Criteria: DASA Assertion Criteria. Collection method: clinical testing. Allele origin: germline.
Comment: NM_001378183.1(PIEZO2):c.2724_2734del (p.Ser908Argfs*28) is a frameshift variant in PIEZO2 predicted to alter the reading frame and introduce a premature termination codon and is predicted to result in an absent or altered protein product. Loss of function is an established disease mechanism for PIEZO2-associated disorders. Also, this variant is absent from population databases. Based on the currently available evidence, this variant is classified as likely pathogenic.

Mendelics
Classification: Pathogenic for Arthrogryposis- oculomotor limitation-electroretinal anomalies syndrome. Last evaluated: 2022-05-04. Review status: criteria provided, single submitter. Criteria: Mendelics Assertion Criteria 2019. Collection method: clinical testing. Allele origin: germline.